The following is an entry in ClinVar:

NM_006231.4(POLE):c.5348A>G (p.Asp1783Gly)

Gene: POLE (DNA polymerase epsilon, catalytic subunit; minus strand). Cytogenetic location: 12q24.33.
Variant type: single nucleotide variant.
Coding change: c.5348A>G on transcript NM_006231.4 (MANE Select); coding-DNA position 5348, A replaced by G.
Protein change: p.Asp1783Gly; replaces aspartic acid 1783 with glycine.
Molecular consequence: missense variant.
Genome position (GRCh38, 1-based): chr12:132,641,677, T>C on the plus strand (A>G on the coding strand, the complement: POLE is on the minus strand). VCF-style: chr12-132641677-T-C. GRCh37 (hg19) VCF-style: chr12-133218263-T-C.
Other names: short protein forms D1783G.
Identifiers: ClinVar variation 4141211 (VCV004141211.1).

ClinVar aggregate classification (germline): Uncertain significance (1 of 4 stars; one submission).

Conditions:
Hereditary cancer-predisposing syndrome. Also called: Hereditary neoplastic syndrome; Neoplastic Syndromes, Hereditary; Tumor predisposition; Hereditary Cancer Syndrome. Identifiers: Orphanet 140162, MedGen C0027672, MeSH D009386, MONDO:0015356.

Submission:

Ambry Genetics
Classification: Uncertain significance for Hereditary cancer-predisposing syndrome. Last evaluated: 2025-08-18. Review status: criteria provided, single submitter. Criteria: Ambry Variant Classification Scheme 2023. Collection method: clinical testing. Allele origin: germline.
Comment: The p.D1783G variant (also known as c.5348A>G), located in coding exon 39 of the POLE gene, results from an A to G substitution at nucleotide position 5348. The aspartic acid at codon 1783 is replaced by glycine, an amino acid with similar properties. This nucleotide position is highly conserved in available vertebrate species. In silico splice site analysis predicts that this alteration will weaken the native splice donor site and will result in the creation or strengthening of a novel splice donor site. RNA studies have demonstrated that this alteration results in abnormal splicing in the set of samples tested (Ambry internal data). Although biallelic loss of function of POLE has been associated with autosomal recessive POLE deficiency, haploinsufficiency of POLE has not been established as a mechanism of disease for POLE-related polymerase proofreading-associated polyposis (PPAP) and POLE-related CMMRD-like syndrome. Based on the supporting evidence, this variant is expected to be causative of POLE deficiency when present along with a second pathogenic variant on the other allele; however, its clinical significance for PPAP and POLE-related CMMRD-like syndrome is unclear.